The following is an entry in ClinVar:

ClinVar aggregate classification (germline): Likely benign. Review status: criteria provided, single submitter (1 of 4 stars). 2 submissions from 2 submitters: Likely benign (1). 1 of the submissions does not count toward it. Last evaluated 2023-03-23.

Conditions:
Hereditary cancer-predisposing syndrome. Also called: Hereditary Cancer Syndrome; Hereditary neoplastic syndrome; Neoplastic Syndromes, Hereditary; Tumor predisposition. Identifiers: Orphanet 140162, MedGen C0027672, MeSH D009386, MONDO:0015356.
Malignant tumor of breast. Also called: Malignant breast neoplasm; Cancer breast. Identifiers: MedGen C0006142, MONDO:0007254. Disease mechanism: loss of function.

Submissions (2):

University of Washington Department of Laboratory Medicine, University of Washington
Classification: Likely benign for Hereditary cancer-predisposing syndrome. Last evaluated: 2023-03-23. Review status: criteria provided, single submitter. Criteria: Dines et al. (Genet Med. 2020). Collection method: curation. Allele origin: germline.
Comment: Missense variant in a coldspot region where missense variants are very unlikely to be pathogenic (PMID:31911673).

BRCA2 exon 11 coldspot. Reclassification based on statistical prior probability.

Department of Pathology and Laboratory Medicine, Sinai Health System
Classification: Uncertain significance for Malignant tumor of breast. Review status: no assertion criteria provided. Collection method: clinical testing. Allele origin: unknown. Affected: yes. Observed: 1 variant allele. Study: The Canadian Open Genetics Repository (COGR). Not counted in ClinVar's aggregate classification.
Comment: The BRCA2 p.Val1497Phe variant was not identified in the literature nor was it identified in the dbSNP, Clinvitae database, LOVD-IARC database, ARUP Laboratories BRCA Mutations Database,COSMIC, the ClinVar database, GeneInsight COGR database, the BIC, UMD, Fanconi Anemia Mutation Database (LOVD) databases, NHLBI GO Exome Sequencing Project and Exome Aggregation Consortium database (March 14, 2016). The p.Val1497 residue is not conserved in mammals and four out of five computational analyses (PolyPhen-2, SIFT, AlignGVGD, BLOSUM, MutationTaster) do not suggest a high likelihood of impact to the protein; however, this information is not predictive enough to rule out pathogenicity. The variant occurs outside of the splicing consensus sequence and 1 of 5 in silico or computational prediction software programs (SpliceSiteFinder, MaxEntScan, NNSPLICE, GeneSplicer, HumanSpliceFinder) predict a greater than 10% difference in splicing; this is not very predictive of pathogenicity. In summary, based on the above information, the clinical significance of this variant cannot be determined with certainty at this time. This variant is classified as a variant of uncertain significance.

NM_000059.4(BRCA2):c.4489G>T (p.Val1497Phe)

Gene: BRCA2 (BRCA2 DNA repair associated; plus strand). Cytogenetic location: 13q13.1.
Variant type: single nucleotide variant.
Coding change: c.4489G>T on transcript NM_000059.4 (MANE Select); coding-DNA position 4489, G replaced by T.
Protein change: p.Val1497Phe; replaces valine 1497 with phenylalanine.
Molecular consequence: missense variant.
Genome position (GRCh38, 1-based): chr13:32,338,844, G>T. VCF-style: chr13-32338844-G-T. GRCh37 (hg19) VCF-style: chr13-32912981-G-T.
Other names: short protein forms V1497F.
Identifiers: ClinVar variation 433784 (VCV000433784.5), dbSNP rs1271777808, ClinGen allele CA387781535.